The following is an entry in ClinVar:

ClinVar aggregate classification (germline): Uncertain significance (1 of 4 stars; one submission).

gnomAD v4.1: 1 of 1,589,704 alleles (0.000063%); highest among the groups gnomAD compares: Admixed American, 0.0017%; no homozygotes.

Submission:

Labcorp Genetics (formerly Invitae), Labcorp
Classification: Uncertain significance. Last evaluated: 2025-10-01. Review status: criteria provided, single submitter. Criteria: Invitae Variant Classification Sherloc (09022015). Collection method: clinical testing. Allele origin: germline.
Comment: This sequence change affects codon 414 of the FOXC2 mRNA. It is a 'silent' change, meaning that it does not change the encoded amino acid sequence of the FOXC2 protein. This variant is present in population databases (rs767164459, gnomAD 0.003%). This variant has not been reported in the literature in individuals affected with FOXC2-related conditions. ClinVar contains an entry for this variant (Variation ID: 3711305). In summary, the available evidence is currently insufficient to determine the role of this variant in disease. Therefore, it has been classified as a Variant of Uncertain Significance.

NM_005251.3(FOXC2):c.1242C>A (p.Pro414=)

Gene: FOXC2 (forkhead box C2; plus strand). Cytogenetic location: 16q24.1.
Variant type: single nucleotide variant.
Coding change: c.1242C>A on transcript NM_005251.3 (MANE Select); coding-DNA position 1242, C replaced by A.
Protein change: p.Pro414=; no amino-acid change (proline 414 retained).
Molecular consequence: synonymous variant.
Genome position (GRCh38, 1-based): chr16:86,568,577, C>A. VCF-style: chr16-86568577-C-A. GRCh37 (hg19) VCF-style: chr16-86602183-C-A.
Identifiers: ClinVar variation 3711305 (VCV003711305.2).